The following is an entry in ClinVar:

ClinVar aggregate classification (germline): Uncertain significance (1 of 4 stars; one submission).

Conditions:
Hereditary cancer-predisposing syndrome. Also called: Hereditary Cancer Syndrome; Hereditary neoplastic syndrome; Neoplastic Syndromes, Hereditary; Tumor predisposition. Identifiers: Orphanet 140162, MedGen C0027672, MeSH D009386, MONDO:0015356.

Allele frequency attached by ClinVar (database versions not stated): TOPMed below 0.00001; ExAC 0.00001; gnomAD 0.00001; ESP Exome Variant Server 0.00008.

Submission:

Ambry Genetics
Classification: Uncertain significance for Hereditary cancer-predisposing syndrome. Last evaluated: 2024-10-18. Review status: criteria provided, single submitter. Criteria: Ambry Variant Classification Scheme 2023. Collection method: clinical testing. Allele origin: germline.
Comment: The p.T203A variant (also known as c.607A>G), located in coding exon 6 of the EPCAM gene, results from an A to G substitution at nucleotide position 607. The threonine at codon 203 is replaced by alanine, an amino acid with similar properties. This amino acid position is conserved. In addition, this alteration is predicted to be tolerated by in silico analysis. Since supporting evidence is limited at this time, the clinical significance of this alteration remains unclear.

NM_002354.3(EPCAM):c.607A>G (p.Thr203Ala)

Gene: EPCAM (epithelial cell adhesion molecule; plus strand). Cytogenetic location: 2p21.
Variant type: single nucleotide variant.
Coding change: c.607A>G on transcript NM_002354.3 (MANE Select); coding-DNA position 607, A replaced by G.
Protein change: p.Thr203Ala; replaces threonine 203 with alanine.
Molecular consequence: missense variant.
Genome position (GRCh38, 1-based): chr2:47,379,004, A>G. VCF-style: chr2-47379004-A-G. GRCh37 (hg19) VCF-style: chr2-47606143-A-G.
Other names: short protein forms T203A.
Identifiers: ClinVar variation 1751428 (VCV001751428.3), dbSNP rs374380877, ClinGen allele CA1649092.
Genomic context (GRCh38, chr2:47,379,004, plus strand): 5'-TTTCCCCAGTATGAGAATAATGTTATCACTATTGATCTGGTTCAAAATTCTTCTCAAAAA[A>G]CTCAGAATGATGTGGACATAGCTGATGTGGCTTATTATTTTGAAAAAGATGTGAGTATCA-3'
Protein context (NP_002345.2, residues 193-213): IDLVQNSSQK[Thr203Ala]QNDVDIADVA